The following is an entry in ClinVar:

ClinVar aggregate classification (germline): Uncertain significance. Review status: criteria provided, multiple submitters, no conflicts (2 of 4 stars). 4 submissions from 4 submitters: Uncertain significance (4). Last evaluated 2025-11-22.

Conditions:
SLC22A4-related disorder. Also called: SLC22A4-related condition.

gnomAD v4.1: 98 of 1,613,638 alleles (0.0061%); highest among the groups gnomAD compares: Non-Finnish European, 0.0075%; no homozygotes.

Submissions (4):

PreventionGenetics, part of Exact Sciences
Classification: Uncertain significance for SLC22A4-related condition. Last evaluated: 2025-11-22. Review status: criteria provided, single submitter. Criteria: ACMG Guidelines, 2015. Collection method: clinical testing. Allele origin: germline.
Comment: The SLC22A4 c.797C>A variant is predicted to result in the amino acid substitution p.Pro266Gln. To our knowledge, this variant has not been reported in the literature. This variant is reported in 0.0040% of alleles in individuals of African descent in gnomAD. At this time, the clinical significance of this variant is uncertain due to the absence of conclusive functional and genetic evidence.

Ambry Genetics
Classification: Uncertain significance. Last evaluated: 2025-09-28. Review status: criteria provided, single submitter. Criteria: Ambry Variant Classification Scheme 2023. Collection method: clinical testing. Allele origin: germline.

Labcorp Genetics (formerly Invitae), Labcorp
Classification: Uncertain significance. Last evaluated: 2025-09-10. Review status: criteria provided, single submitter. Criteria: Invitae Variant Classification Sherloc (09022015). Collection method: clinical testing. Allele origin: germline.
Comment: This sequence change replaces proline, which is neutral and non-polar, with glutamine, which is neutral and polar, at codon 266 of the SLC22A4 protein (p.Pro266Gln). This variant is present in population databases (no rsID available, gnomAD 0.004%). This variant has not been reported in the literature in individuals affected with SLC22A4-related conditions. Invitae Evidence Modeling of protein sequence and biophysical properties (such as structural, functional, and spatial information, amino acid conservation, physicochemical variation, residue mobility, and thermodynamic stability) has been performed for this missense variant. However, the output from this modeling did not meet the statistical confidence thresholds required to predict the impact of this variant on SLC22A4 protein function. In summary, the available evidence is currently insufficient to determine the role of this variant in disease. Therefore, it has been classified as a Variant of Uncertain Significance.

Blueprint Genetics
Classification: Uncertain significance. Last evaluated: 2021-11-26. Review status: criteria provided, single submitter. Criteria: ACMG Guidelines, 2015. Collection method: clinical testing. Allele origin: germline.

NM_003059.3(SLC22A4):c.797C>A (p.Pro266Gln)

Genes: MIR3936HG (MIR3936 host gene; minus strand), SLC22A4 (solute carrier family 22 member 4; plus strand). Cytogenetic location: 5q31.1.
Variant type: single nucleotide variant.
Coding change: c.797C>A on transcript NM_003059.3 (MANE Select); coding-DNA position 797, C replaced by A.
Protein change: p.Pro266Gln; replaces proline 266 with glutamine.
Molecular consequence: missense variant.
Genome position (GRCh38, 1-based): chr5:132,322,328, C>A. VCF-style: chr5-132322328-C-A. GRCh37 (hg19) VCF-style: chr5-131658021-C-A.
Other names: short protein forms P266Q.
Identifiers: ClinVar variation 4584894 (VCV004584894.4).